The following is an entry in ClinVar:

NM_000565.4(IL6R):c.143C>A (p.Pro48Gln)

Gene: IL6R (interleukin 6 receptor; plus strand). Cytogenetic location: 1q21.3.
Variant type: single nucleotide variant.
Coding change: c.143C>A on transcript NM_000565.4 (MANE Select); coding-DNA position 143, C replaced by A.
Protein change: p.Pro48Gln; replaces proline 48 with glutamine.
Molecular consequence: missense variant. On other transcripts: intron variant (1).
Genome position (GRCh38, 1-based): chr1:154,429,253, C>A. VCF-style: chr1-154429253-C-A. GRCh37 (hg19) VCF-style: chr1-154401729-C-A.
Other names: c.143C>A, p.Pro48Gln (NM_001206866.2, NM_001382769.1, NM_001382770.1 and 4 more transcripts); c.126+17C>A (NM_001382774.1); short protein forms P48Q.
Identifiers: ClinVar variation 1996183 (VCV001996183.4), dbSNP rs1322685978, ClinGen allele CA342602874.

ClinVar aggregate classification (germline): Uncertain significance (1 of 4 stars; one submission).

Submission:

Labcorp Genetics (formerly Invitae), Labcorp
Classification: Uncertain significance. Last evaluated: 2022-05-30. Review status: criteria provided, single submitter. Criteria: Invitae Variant Classification Sherloc (09022015). Collection method: clinical testing. Allele origin: germline.
Comment: In summary, the available evidence is currently insufficient to determine the role of this variant in disease. Therefore, it has been classified as a Variant of Uncertain Significance. This variant has not been reported in the literature in individuals affected with IL6R-related conditions. Algorithms developed to predict the effect of missense changes on protein structure and function are either unavailable or do not agree on the potential impact of this missense change (SIFT: "Tolerated"; PolyPhen-2: "Probably Damaging"; Align-GVGD: "Class C0"). This variant is not present in population databases (gnomAD no frequency). This sequence change replaces proline, which is neutral and non-polar, with glutamine, which is neutral and polar, at codon 48 of the IL6R protein (p.Pro48Gln).